The following is an entry in ClinVar:

NM_004336.5(BUB1):c.1889C>G (p.Ala630Gly)

Gene: BUB1 (BUB1 mitotic checkpoint serine/threonine kinase; minus strand). Cytogenetic location: 2q13.
Variant type: single nucleotide variant.
Coding change: c.1889C>G on transcript NM_004336.5 (MANE Select); coding-DNA position 1889, C replaced by G.
Protein change: p.Ala630Gly; replaces alanine 630 with glycine.
Molecular consequence: missense variant.
Genome position (GRCh38, 1-based): chr2:110,653,511, G>C on the plus strand (C>G on the coding strand, the complement: BUB1 is on the minus strand). VCF-style: chr2-110653511-G-C. GRCh37 (hg19) VCF-style: chr2-111411088-G-C.
Other names: c.1829C>G, p.Ala610Gly (NM_001278616.2); c.1889C>G, p.Ala630Gly (NM_001278617.2); short protein forms A630G, A610G.
Identifiers: ClinVar variation 2464901 (VCV002464901.3), dbSNP rs1431573704, ClinGen allele CA348210376.
Genomic context (GRCh38, chr2:110,653,511, plus strand): 5'-CTTGAAGGCACCACCATGTTTTCCTCACAAGAATCCAAAGTCGCCTGGGTACACTGTTTT[G>C]CTACCACATTTTCTGAAAGATTCAAAAATTAGAGACAAGATATGTTAGATGCACATGTGT-3'
Protein context (NP_004327.1, residues 620-640): HILEDKENVV[Ala630Gly]KQCTQATLDS

ClinVar aggregate classification (germline): Uncertain significance. Review status: criteria provided, multiple submitters, no conflicts (2 of 4 stars). 2 submissions from 2 submitters: Uncertain significance (2). Last evaluated 2025-04-24.

Allele frequency attached by ClinVar (database versions not stated): gnomAD exomes below 0.00001; gnomAD 0.00001.
gnomAD v4.1: 4 of 1,613,662 alleles (0.00025%); highest among the groups gnomAD compares: Admixed American, 0.0033%; no homozygotes.

Submissions (2):

Labcorp Genetics (formerly Invitae), Labcorp
Classification: Uncertain significance. Last evaluated: 2025-04-24. Review status: criteria provided, single submitter. Criteria: Invitae Variant Classification Sherloc (09022015). Collection method: clinical testing. Allele origin: germline.
Comment: This sequence change replaces alanine, which is neutral and non-polar, with glycine, which is neutral and non-polar, at codon 630 of the BUB1 protein (p.Ala630Gly). This variant is not present in population databases (gnomAD no frequency). This variant has not been reported in the literature in individuals affected with BUB1-related conditions. ClinVar contains an entry for this variant (Variation ID: 2464901). In summary, the available evidence is currently insufficient to determine the role of this variant in disease. Therefore, it has been classified as a Variant of Uncertain Significance.

Ambry Genetics
Classification: Uncertain significance. Last evaluated: 2023-12-13. Review status: criteria provided, single submitter. Criteria: Ambry Variant Classification Scheme 2023. Collection method: clinical testing. Allele origin: germline.